The following is an entry in ClinVar:

ClinVar aggregate classification (germline): Likely benign. Review status: criteria provided, multiple submitters, no conflicts (2 of 4 stars). 3 submissions from 3 submitters: Likely benign (3). Last evaluated 2025-10-01.

Conditions:
Inborn genetic diseases. Identifiers: MedGen C0950123, MeSH D030342.
Dyskeratosis congenita, autosomal recessive 5 (DKCB5). Identifiers: MedGen C3554656, MONDO:0014076, OMIM 615190.
Pulmonary fibrosis and/or bone marrow failure, Telomere-related, 3. Also called: PULMONARY FIBROSIS AND/OR BONE MARROW FAILURE SYNDROME, TELOMERE-RELATED, 3. Identifiers: Orphanet 2032, MedGen C4225346, MONDO:0014613, OMIM 616373.

Allele frequency attached by ClinVar (database versions not stated): gnomAD exomes 0.00001 and 0.00003; gnomAD 0.00002 and 0.00003; TOPMed 0.00003; ExAC 0.00005; 1000 Genomes Project 30x 0.00016; 1000 Genomes Project 0.00020.
gnomAD v4.1: 25 of 1,606,710 alleles (0.0016%); highest among the groups gnomAD compares: East Asian, 0.051%; no homozygotes.

Submissions (3):

CeGaT Center for Human Genetics Tuebingen
Classification: Likely benign. Last evaluated: 2025-10-01. Review status: criteria provided, single submitter. Criteria: CeGaT Center For Human Genetics Tuebingen Variant Classification Criteria Version 2. Collection method: clinical testing. Allele origin: germline. Affected: yes. Observed: 1 variant allele.
Comment: RTEL1: BP4, BP7

Ambry Genetics
Classification: Likely benign for Inborn genetic diseases. Last evaluated: 2024-11-23. Review status: criteria provided, single submitter. Criteria: Ambry Variant Classification Scheme 2023. Collection method: clinical testing. Allele origin: germline.

Labcorp Genetics (formerly Invitae), Labcorp
Classification: Likely benign for Dyskeratosis congenita, autosomal recessive 5; Pulmonary fibrosis and/or bone marrow failure, Telomere-related, 3. Last evaluated: 2024-06-15. Review status: criteria provided, single submitter. Criteria: Invitae Variant Classification Sherloc (09022015). Collection method: clinical testing. Allele origin: germline.

NM_001283009.2(RTEL1):c.1896C>T (p.Asp632=)

Genes: RTEL1 (regulator of telomere elongation helicase 1; plus strand), RTEL1-TNFRSF6B (RTEL1-TNFRSF6B readthrough (NMD candidate); plus strand). Cytogenetic location: 20q13.33.
Variant type: single nucleotide variant.
Coding change: c.1896C>T on transcript NM_001283009.2 (MANE Select); coding-DNA position 1896, C replaced by T.
Protein change: p.Asp632=; no amino-acid change (aspartic acid 632 retained).
Molecular consequence: synonymous variant. On other transcripts: non-coding transcript variant (1).
Genome position (GRCh38, 1-based): chr20:63,689,519, C>T. VCF-style: chr20-63689519-C-T. GRCh37 (hg19) VCF-style: chr20-62320872-C-T.
Other names: c.1227C>T, p.Asp409= (NM_001283010.1); c.1896C>T, p.Asp632= (NM_016434.4); c.1968C>T, p.Asp656= (NM_032957.5).
Identifiers: ClinVar variation 1130871 (VCV001130871.16), dbSNP rs201130278, ClinGen allele CA9965075.
Genomic context (GRCh38, chr20:63,689,519, plus strand): 5'-GGAGCCCCCACGGCCCCAGGCAGCTCCCTGGTGTGTCCCCTAGGCCAGCGAGGGGCTGGA[C>T]TTCTCAGACACGAATGGCCGTGGTGTGATTGTCACGGGCCTCCCGTACCCCCCACGCATG-3'
Protein context (NP_001269938.1, residues 622-642): VCRGKASEGL[Asp632=]FSDTNGRGVI